The following is an entry in ClinVar:

ClinVar aggregate classification (germline): Uncertain significance (1 of 4 stars; one submission).

gnomAD v4.1: 1 of 1,556,244 alleles (0.000064%); highest among the groups gnomAD compares: Non-Finnish European, 0.000089%; no homozygotes.

Submission:

Labcorp Genetics (formerly Invitae), Labcorp
Classification: Uncertain significance. Last evaluated: 2025-01-23. Review status: criteria provided, single submitter. Criteria: Invitae Variant Classification Sherloc (09022015). Collection method: clinical testing. Allele origin: germline.
Comment: This sequence change falls in intron 15 of the GSN gene. It does not directly change the encoded amino acid sequence of the GSN protein. It affects a nucleotide within the consensus splice site. This variant is not present in population databases (gnomAD no frequency). This variant has not been reported in the literature in individuals affected with GSN-related conditions. Variants that disrupt the consensus splice site are a relatively common cause of aberrant splicing (PMID: 17576681, 9536098). Algorithms developed to predict the effect of sequence changes on RNA splicing suggest that this variant may create or strengthen a splice site. In summary, the available evidence is currently insufficient to determine the role of this variant in disease. Therefore, it has been classified as a Variant of Uncertain Significance.

Literature cited by the submitters: PubMed 17576681; PubMed 9536098.

NM_198252.3(GSN):c.1965+6T>C

Gene: GSN (gelsolin; plus strand). Cytogenetic location: 9q33.2.
Variant type: single nucleotide variant.
Coding change: c.1965+6T>C on transcript NM_198252.3 (MANE Select); 6 bases into the intron after coding-DNA position 1965, T replaced by C.
Molecular consequence: intron variant.
Genome position (GRCh38, 1-based): chr9:121,329,321, T>C. VCF-style: chr9-121329321-T-C. GRCh37 (hg19) VCF-style: chr9-124091599-T-C.
Other names: c.1965+6T>C (NM_001353054.1, NM_001353053.1, NM_001353060.2 and 10 more transcripts); c.1998+6T>C (NM_001353064.2, NM_001353066.2, NM_001353073.2 and 13 more transcripts); c.2073+6T>C (NM_001127663.2); c.2037+6T>C (NM_001353076.2); c.1311+6T>C (NM_001353078.2); c.2016+6T>C (NM_001258029.2); c.1989+6T>C (NM_001258030.2); c.2118+6T>C (NM_000177.5).
Identifiers: ClinVar variation 3649924 (VCV003649924.2).